The following is an entry in ClinVar:

ClinVar aggregate classification (germline): Uncertain significance (1 of 4 stars; one submission).

Conditions:
Neuropathy, hereditary sensory and autonomic, type 2A (HSAN2A). Also called: HSAN IIA; ACROOSTEOLYSIS, GIACCAI TYPE; ACROOSTEOLYSIS, NEUROGENIC; MORVAN DISEASE; NEUROPATHY, CONGENITAL SENSORY; NEUROPATHY, HEREDITARY SENSORY RADICULAR, AUTOSOMAL RECESSIVE. Identifiers: Orphanet 970, MedGen C2752089, MONDO:0024309, OMIM 201300.
Generalized epilepsy with febrile seizures plus, type 7 (GEFSP7). Also called: GEFS+, TYPE 7. Identifiers: Orphanet 36387, MedGen C2751778, MONDO:0013470, OMIM 613863.

Allele frequency attached by ClinVar (database versions not stated): TOPMed below 0.00001; gnomAD 0.00001.

Submission:

Labcorp Genetics (formerly Invitae), Labcorp
Classification: Uncertain significance for Neuropathy, hereditary sensory and autonomic, type 2A; Generalized epilepsy with febrile seizures plus, type 7. Last evaluated: 2018-04-08. Review status: criteria provided, single submitter. Criteria: Invitae Variant Classification Sherloc (09022015). Collection method: clinical testing. Allele origin: germline.
Comment: In summary, the available evidence is currently insufficient to determine the role of this variant in disease. Therefore, it has been classified as a Variant of Uncertain Significance. Algorithms developed to predict the effect of missense changes on protein structure and function do not agree on the potential impact of this missense change (SIFT: "Deleterious"; PolyPhen-2: "Benign"; Align-GVGD: "Class C0"). This variant has not been reported in the literature in individuals with SCN9A-related disease. This variant is not present in population databases (ExAC no frequency). This sequence change replaces methionine with threonine at codon 70 of the SCN9A protein (p.Met70Thr). The methionine residue is moderately conserved and there is a moderate physicochemical difference between methionine and threonine.

NM_001365536.1(SCN9A):c.209T>C (p.Met70Thr)

Gene: SCN9A (sodium voltage-gated channel alpha subunit 9; minus strand). Cytogenetic location: 2q24.3.
Variant type: single nucleotide variant.
Coding change: c.209T>C on transcript NM_001365536.1 (MANE Select); coding-DNA position 209, T replaced by C.
Protein change: p.Met70Thr; replaces methionine 70 with threonine.
Molecular consequence: missense variant.
Genome position (GRCh38, 1-based): chr2:166,311,548, A>G on the plus strand (T>C on the coding strand, the complement: SCN9A is on the minus strand). VCF-style: chr2-166311548-A-G. GRCh37 (hg19) VCF-style: chr2-167168058-A-G.
Other names: c.209T>C, p.Met70Thr (NM_002977.4); short protein forms M70T.
Identifiers: ClinVar variation 571782 (VCV000571782.9), dbSNP rs1329565373, ClinGen allele CA349095871.